The following is an entry in ClinVar:

NM_001080449.3(DNA2):c.1682G>A (p.Arg561Lys)

Gene: DNA2 (DNA replication helicase/nuclease 2; minus strand). Cytogenetic location: 10q21.3.
Variant type: single nucleotide variant.
Coding change: c.1682G>A on transcript NM_001080449.3 (MANE Select); coding-DNA position 1682, G replaced by A.
Protein change: p.Arg561Lys; replaces arginine 561 with lysine.
Molecular consequence: missense variant. On other transcripts: non-coding transcript variant (1).
Genome position (GRCh38, 1-based): chr10:68,432,475, C>T on the plus strand (G>A on the coding strand, the complement: DNA2 is on the minus strand). VCF-style: chr10-68432475-C-T. GRCh37 (hg19) VCF-style: chr10-70192232-C-T.
Other names: c.1682G>A (NM_001080449.2); short protein forms R561K.
Identifiers: ClinVar variation 3015474 (VCV003015474.4), dbSNP rs776006595, ClinGen allele CA5525005.
Genomic context (GRCh38, chr10:68,432,475, plus strand): 5'-AATTTGGAAAGATTTCCTAATGGGGTATCTATATCACAATTTTTTTCTTCTTGGTCTAAT[C>T]TGAACAAAGTTGATTCTGGAAGGACCGACAAGTTTCTAAAACAACAAAACAAATATACAT-3'
Protein context (NP_001073918.2, residues 551-571): LSVLPESTLF[Arg561Lys]LDQEEKNCDI

ClinVar aggregate classification (germline): Uncertain significance. Review status: criteria provided, multiple submitters, no conflicts (2 of 4 stars). 2 submissions from 2 submitters: Uncertain significance (2). Last evaluated 2025-11-19.

Conditions:
Inborn genetic diseases. Identifiers: MedGen C0950123, MeSH D030342.

Allele frequency attached by ClinVar (database versions not stated): gnomAD 0.00001; gnomAD exomes 0.00003; TOPMed 0.00004.
gnomAD v4.1: 52 of 1,575,668 alleles (0.0033%); highest among the groups gnomAD compares: Non-Finnish European, 0.004%; no homozygotes.

Submissions (2):

Ambry Genetics
Classification: Uncertain significance for Inborn genetic diseases. Last evaluated: 2025-11-19. Review status: criteria provided, single submitter. Criteria: Ambry Variant Classification Scheme 2023. Collection method: clinical testing. Allele origin: germline.

Labcorp Genetics (formerly Invitae), Labcorp
Classification: Uncertain significance. Last evaluated: 2024-12-02. Review status: criteria provided, single submitter. Criteria: Invitae Variant Classification Sherloc (09022015). Collection method: clinical testing. Allele origin: germline.
Comment: This sequence change replaces arginine, which is basic and polar, with lysine, which is basic and polar, at codon 561 of the DNA2 protein (p.Arg561Lys). This variant is present in population databases (rs776006595, gnomAD 0.004%). This variant has not been reported in the literature in individuals affected with DNA2-related conditions. ClinVar contains an entry for this variant (Variation ID: 3015474). Invitae Evidence Modeling of protein sequence and biophysical properties (such as structural, functional, and spatial information, amino acid conservation, physicochemical variation, residue mobility, and thermodynamic stability) indicates that this missense variant is expected to disrupt DNA2 protein function with a positive predictive value of 80%. In summary, the available evidence is currently insufficient to determine the role of this variant in disease. Therefore, it has been classified as a Variant of Uncertain Significance.